The following is an entry in ClinVar:

ClinVar aggregate classification (germline): Pathogenic (1 of 4 stars; one submission).

Conditions:
Primary ciliary dyskinesia. Also called: Ciliary dyskinesia. Identifiers: Orphanet 244, MedGen C0008780, MONDO:0016575, HP:0012265.

Submission:

Labcorp Genetics (formerly Invitae), Labcorp
Classification: Pathogenic for Primary ciliary dyskinesia. Last evaluated: 2023-07-14. Review status: criteria provided, single submitter. Criteria: Invitae Variant Classification Sherloc (09022015). Collection method: clinical testing. Allele origin: germline.
Comment: This variant has been observed in individual(s) with primary ciliary dyskinesia (Invitae). This variant is not present in population databases (gnomAD no frequency). This variant, c.10219_10233del, results in the deletion of 5 amino acid(s) of the DNAH5 protein (p.Cys3407_Lys3411del), but otherwise preserves the integrity of the reading frame. For these reasons, this variant has been classified as Pathogenic. This variant disrupts a region of the DNAH5 protein in which other variant(s) (p.Trp3409Ser) have been determined to be pathogenic (PMID: 16627867; Invitae). This suggests that this is a clinically significant region of the protein, and that variants that disrupt it are likely to be disease-causing. ClinVar contains an entry for this variant (Variation ID: 834495).

Literature cited by the submitters: PubMed 16627867.

NM_001369.3(DNAH5):c.10219_10233del (p.Cys3407_Lys3411del)

Gene: DNAH5 (dynein axonemal heavy chain 5; minus strand). Cytogenetic location: 5p15.2.
Variant type: Deletion.
Coding change: c.10219_10233del on transcript NM_001369.3 (MANE Select); coding-DNA positions 10219 to 10233, 15 bases deleted (TGTTCCTGGACGAAA).
Protein change: p.Cys3407_Lys3411del.
Molecular consequence: inframe deletion.
Genome position (GRCh38, 1-based): chr5:13,762,770-13,762,784, TTTCGTCCAGGAACA deleted on the plus strand (TGTTCCTGGACGAAA on the coding strand, the reverse complement: DNAH5 is on the minus strand). VCF-style (leftmost placement, unchanged base first): chr5-13762769-CTTTCGTCCAGGAACA-C. GRCh37 (hg19) VCF-style: chr5-13762878-CTTTCGTCCAGGAACA-C.
Identifiers: ClinVar variation 834495 (VCV000834495.8), dbSNP rs1751962280, ClinGen allele CA916082685.